The following is an entry in ClinVar:

ClinVar aggregate classification (germline): Uncertain significance (1 of 4 stars; one submission).

Conditions:
Hereditary cancer-predisposing syndrome. Also called: Neoplastic Syndromes, Hereditary; Tumor predisposition; Hereditary Cancer Syndrome; Hereditary neoplastic syndrome. Identifiers: Orphanet 140162, MedGen C0027672, MeSH D009386, MONDO:0015356.

Submission:

Ambry Genetics
Classification: Uncertain significance for Hereditary cancer-predisposing syndrome. Last evaluated: 2019-05-24. Review status: criteria provided, single submitter. Criteria: Ambry Variant Classification Scheme 2023. Collection method: clinical testing. Allele origin: germline.
Comment: The p.G571S variant (also known as c.1711G>A), located in coding exon 4 of the MSH6 gene, results from a G to A substitution at nucleotide position 1711. The glycine at codon 571 is replaced by serine, an amino acid with similar properties. This amino acid position is highly conserved in available vertebrate species. In addition, this alteration is predicted to be deleterious by in silico analysis. In addition, the CoDP in silico tool predicts this alteration to likely impact molecular function, with a score of 0.925 (Terui H et al. J. Biomed. Sci. 2013 Apr;20:25). Since supporting evidence is limited at this time, the clinical significance of this alteration remains unclear.

NM_000179.3(MSH6):c.1711G>A (p.Gly571Ser)

Gene: MSH6 (mutS homolog 6; plus strand). Cytogenetic location: 2p16.3.
Variant type: single nucleotide variant.
Coding change: c.1711G>A on transcript NM_000179.3 (MANE Select); coding-DNA position 1711, G replaced by A.
Protein change: p.Gly571Ser; replaces glycine 571 with serine.
Molecular consequence: missense variant.
Genome position (GRCh38, 1-based): chr2:47,799,694, G>A. VCF-style: chr2-47799694-G-A. GRCh37 (hg19) VCF-style: chr2-48026833-G-A.
Other names: c.1321G>A, p.Gly441Ser (NM_001281492.2); c.805G>A, p.Gly269Ser (NM_001281493.2, NM_001281494.2); short protein forms G441S, G571S, G269S.
Identifiers: ClinVar variation 819882 (VCV000819882.4), dbSNP rs757006198, ClinGen allele CA346748571.